The following is an entry in ClinVar:

NM_000368.5(TSC1):c.1997+1G>T

Gene: TSC1 (TSC complex subunit 1; minus strand). Cytogenetic location: 9q34.13.
Variant type: single nucleotide variant.
Coding change: c.1997+1G>T on transcript NM_000368.5 (MANE Select); the canonical splice donor site of the intron after coding-DNA position 1997, G replaced by T.
Molecular consequence: splice donor variant.
Genome position (GRCh38, 1-based): chr9:132,905,580, C>A on the plus strand (G>T on the coding strand, the complement: TSC1 is on the minus strand). VCF-style: chr9-132905580-C-A. GRCh37 (hg19) VCF-style: chr9-135780967-C-A.
Other names: c.1634+1G>T (NM_001406616.1, NM_001406615.1, NM_001406618.1 and 5 more transcripts); c.1631+1G>T (NM_001406623.1, NM_001406620.1, NM_001406625.1 and 2 more transcripts); c.1994+1G>T (NM_001406599.1, NM_001406603.1, NM_001406609.1 and 6 more transcripts); c.1997+1G>T (NM_001406594.1, NM_001406602.1, NM_001406606.1 and 7 more transcripts); c.1841+1G>T (NM_001406613.1, NM_001406612.1, NM_001406611.1); c.1844+1G>T (NM_001406610.1, NM_001162427.2); c.1043+1G>T (NM_001406627.1, NM_001406628.1); c.944+1G>T (NM_001406629.1, NM_001406630.1); and 1 more.
Identifiers: ClinVar variation 1686275 (VCV001686275.3), dbSNP rs118203610, ClinGen allele CA375362205.

ClinVar aggregate classification (germline): Pathogenic. Review status: criteria provided, multiple submitters, no conflicts (2 of 4 stars). 2 submissions from 2 submitters: Pathogenic (2). Last evaluated 2025-01-26.

Conditions:
Tuberous sclerosis 1 (TSC1). Identifiers: Orphanet 805, MedGen C1854465, MONDO:0008612, OMIM 191100.

Submissions (2):

Labcorp Genetics (formerly Invitae), Labcorp
Classification: Pathogenic for Tuberous sclerosis 1. Last evaluated: 2025-01-26. Review status: criteria provided, single submitter. Criteria: Invitae Variant Classification Sherloc (09022015). Collection method: clinical testing. Allele origin: germline.
Comment: This sequence change affects a donor splice site in intron 15 of the TSC1 gene. It is expected to disrupt RNA splicing. Variants that disrupt the donor or acceptor splice site typically lead to a loss of protein function (PMID: 16199547), and loss-of-function variants in TSC1 are known to be pathogenic (PMID: 10227394, 17304050). This variant is not present in population databases (gnomAD no frequency). Disruption of this splice site has been observed in individual(s) with tuberous sclerosis complex (PMID: 20633017, 32005694). ClinVar contains an entry for this variant (Variation ID: 1686275). Algorithms developed to predict the effect of sequence changes on RNA splicing suggest that this variant may disrupt the consensus splice site. For these reasons, this variant has been classified as Pathogenic.

Mendelics
Classification: Pathogenic for Tuberous sclerosis 1. Last evaluated: 2022-05-04. Review status: criteria provided, single submitter. Criteria: Mendelics Assertion Criteria 2019. Collection method: clinical testing. Allele origin: germline.

Literature cited by the submitters: PubMed 16199547 (cited by Labcorp Genetics (formerly Invitae), Labcorp); PubMed 10227394 (cited by Labcorp Genetics (formerly Invitae), Labcorp); PubMed 17304050 (cited by Labcorp Genetics (formerly Invitae), Labcorp); PubMed 20633017 (cited by Labcorp Genetics (formerly Invitae), Labcorp); PubMed 32005694 (cited by Labcorp Genetics (formerly Invitae), Labcorp).